The following is an entry in ClinVar:

NM_000384.3(APOB):c.3190G>T (p.Val1064Phe)

Gene: APOB (apolipoprotein B; minus strand). Cytogenetic location: 2p24.1.
Variant type: single nucleotide variant.
Coding change: c.3190G>T on transcript NM_000384.3 (MANE Select); coding-DNA position 3190, G replaced by T.
Protein change: p.Val1064Phe; replaces valine 1064 with phenylalanine.
Molecular consequence: missense variant.
Genome position (GRCh38, 1-based): chr2:21,016,581, C>A on the plus strand (G>T on the coding strand, the complement: APOB is on the minus strand). VCF-style: chr2-21016581-C-A. GRCh37 (hg19) VCF-style: chr2-21239453-C-A.
Other names: short protein forms V1064F.
Identifiers: ClinVar variation 1728669 (VCV001728669.3), dbSNP rs2465391334, ClinGen allele CA346009627.

ClinVar aggregate classification (germline): Uncertain significance. Review status: criteria provided, multiple submitters, no conflicts (2 of 4 stars). 2 submissions from 2 submitters: Uncertain significance (2). Last evaluated 2023-08-28.

Conditions:
Cardiovascular phenotype. Identifiers: MedGen CN230736.

gnomAD v4.1: 2 of 1,612,440 alleles (0.00012%); highest among the groups gnomAD compares: Non-Finnish European, 0.00017%; no homozygotes.

Submissions (2):

ARUP Laboratories, Molecular Genetics and Genomics, ARUP Laboratories
Classification: Uncertain significance. Last evaluated: 2023-08-28. Review status: criteria provided, single submitter. Criteria: ARUP Molecular Germline Variant Investigation Process 2024. Collection method: clinical testing. Allele origin: germline.
Comment: The APOB c.3190G>T; p.Val1064Phe variant, to our knowledge, is not reported in the medical literature but is reported in ClinVar (Variation ID: 1728669). This variant is absent from the Genome Aggregation Database, indicating it is not a common polymorphism. Computational analyses predict that this variant is neutral (REVEL: 0.104). Due to limited information, the clinical significance of this variant is uncertain at this time.

Ambry Genetics
Classification: Uncertain significance for Cardiovascular phenotype. Last evaluated: 2021-11-22. Review status: criteria provided, single submitter. Criteria: Ambry Variant Classification Scheme 2023. Collection method: clinical testing. Allele origin: germline.
Comment: The p.V1064F variant (also known as c.3190G>T), located in coding exon 21 of the APOB gene, results from a G to T substitution at nucleotide position 3190. The valine at codon 1064 is replaced by phenylalanine, an amino acid with highly similar properties. This amino acid position is conserved. In addition, this alteration is predicted to be tolerated by in silico analysis. Since supporting evidence is limited at this time, the clinical significance of this alteration remains unclear.